The following is an entry in ClinVar:

ClinVar aggregate classification (germline): Uncertain significance. Review status: criteria provided, multiple submitters, no conflicts (2 of 4 stars). 2 submissions from 2 submitters: Uncertain significance (2). Last evaluated 2025-07-03.

Conditions:
Hereditary cancer-predisposing syndrome. Also called: Tumor predisposition; Hereditary neoplastic syndrome; Hereditary Cancer Syndrome; Neoplastic Syndromes, Hereditary. Identifiers: Orphanet 140162, MedGen C0027672, MeSH D009386, MONDO:0015356.
Familial adenomatous polyposis 1 (FAP1). Also called: POLYPOSIS, ADENOMATOUS INTESTINAL; FAMILIAL ADENOMATOUS POLYPOSIS 1, ATTENUATED. Identifiers: MedGen C2713442, MONDO:0021056, OMIM 175100. Disease mechanism: loss of function.

Submissions (2):

Ambry Genetics
Classification: Uncertain significance for Hereditary cancer-predisposing syndrome. Last evaluated: 2025-07-03. Review status: criteria provided, single submitter. Criteria: Ambry Variant Classification Scheme 2023. Collection method: clinical testing. Allele origin: germline.
Comment: The p.D183H variant (also known as c.547G>C), located in coding exon 5 of the APC gene, results from a G to C substitution at nucleotide position 547. The aspartic acid at codon 183 is replaced by histidine, an amino acid with similar properties. This amino acid position is highly conserved in available vertebrate species. In addition, in silico predictors for this gene do not accurately predict pathogenicity. Missense alterations in APC are not a common cause of disease (Spier I et al. Genet Med. 2024 Feb;26(2):100992). Based on the available evidence, the clinical significance of this variant remains unclear.

Labcorp Genetics (formerly Invitae), Labcorp
Classification: Uncertain significance for Familial adenomatous polyposis 1. Last evaluated: 2024-09-15. Review status: criteria provided, single submitter. Criteria: Invitae Variant Classification Sherloc (09022015). Collection method: clinical testing. Allele origin: germline.
Comment: This sequence change replaces aspartic acid, which is acidic and polar, with histidine, which is basic and polar, at codon 183 of the APC protein (p.Asp183His). This variant is not present in population databases (gnomAD no frequency). This variant has not been reported in the literature in individuals affected with APC-related conditions. ClinVar contains an entry for this variant (Variation ID: 937934). Invitae Evidence Modeling of protein sequence and biophysical properties (such as structural, functional, and spatial information, amino acid conservation, physicochemical variation, residue mobility, and thermodynamic stability) indicates that this missense variant is not expected to disrupt APC protein function with a negative predictive value of 95%. In summary, the available evidence is currently insufficient to determine the role of this variant in disease. Therefore, it has been classified as a Variant of Uncertain Significance.

NM_000038.6(APC):c.547G>C (p.Asp183His)

Gene: APC (APC regulator of Wnt signaling pathway; plus strand). Cytogenetic location: 5q22.2.
Variant type: single nucleotide variant.
Coding change: c.547G>C on transcript NM_000038.6 (MANE Select); coding-DNA position 547, G replaced by C.
Protein change: p.Asp183His; replaces aspartic acid 183 with histidine.
Molecular consequence: missense variant. On other transcripts: 5 prime UTR variant (1).
Genome position (GRCh38, 1-based): chr5:112,780,805, G>C. VCF-style: chr5-112780805-G-C. GRCh37 (hg19) VCF-style: chr5-112116502-G-C.
Other names: c.547G>C, p.Asp183His (NM_001127510.3, NM_001354895.2, NM_001354896.2 and 2 more transcripts); c.577G>C, p.Asp193His (NM_001127511.3, NM_001354897.2, NM_001354902.2); c.472G>C, p.Asp158His (NM_001354898.2, NM_001354904.2); c.370G>C, p.Asp124His (NM_001354900.2, NM_001354901.2, NM_001354905.2); c.-489G>C (NM_001354906.2); short protein forms D124H, D183H, D158H, D193H.
Identifiers: ClinVar variation 937934 (VCV000937934.14), dbSNP rs1758239055, ClinGen allele CA16022526.